The following is an entry in ClinVar:

NM_001009944.3(PKD1):c.7863+1del

Gene: PKD1 (polycystin 1, transient receptor potential channel interacting; minus strand). Cytogenetic location: 16p13.3.
Variant type: Deletion.
Coding change: c.7863+1del on transcript NM_001009944.3 (MANE Select); the canonical splice donor site of the intron after coding-DNA position 7863, one base deleted (G; older notation c.7863+1delG).
Molecular consequence: splice donor variant.
Genome position (GRCh38, 1-based): chr16:2,105,864, C deleted on the plus strand (G on the coding strand, the reverse complement: PKD1 is on the minus strand); the first of 2 consecutive C bases (chr16:2,105,864-2,105,865); deleting either gives the same sequence. VCF-style (leftmost placement, unchanged base first): chr16-2105863-AC-A. GRCh37 (hg19) VCF-style: chr16-2155864-AC-A.
Other names: c.7863+1del (NM_000296.4).
Identifiers: ClinVar variation 997176 (VCV000997176.1), dbSNP rs2092319664, ClinGen allele CA2202032064.
Genomic context (GRCh38, chr16:2,105,863, plus strand): 5'-ACAGGTCTTGGTCCCAAGCACGCATGCAGCAGATGTGACGTCCCCTCCCAGGCTGCACTC[AC>A]CTCGTTCAGCACGGTGACCAGGGCCAACGAGTACTCGATGACGTGCTGGGGATCGGCCTG-3'

ClinVar aggregate classification (germline): Pathogenic (0 of 4 stars; one submission).

Conditions:
Polycystic kidney disease. Also called: Polycystic kidney dysplasia; Kidney, Polycystic. Identifiers: MedGen C0022680, MeSH D007690, MONDO:0020642, HP:0000113.

Submission:

Department of Pathology and Laboratory Medicine, Sinai Health System
Classification: Pathogenic for Polycystic Kidney disease. Review status: no assertion criteria provided. Collection method: clinical testing. Allele origin: unknown. Affected: yes. Study: The Canadian Open Genetics Repository (COGR).
Comment: The PKD1 c.7863+1delG variant was not identified in the literature, nor was it identified in dbSNP, the 1000 Genomes Project, the NHLBI Exome Sequencing Project, the Exome Aggregation Consortium, GeneInsight COGR, ClinVar, Clinvitae, MutDB, ADPKD Mutation Database or PKD1-LOVD, or PKD1-LOVD 3.0. The c.7863+1delG variant is predicted to cause abnormal splicing because the nucleotide substitution occurs in the invariant region of the splice consensus sequence. In addition, 4 of 5 in silico or computational prediction software programs (SpliceSiteFinder, MaxEntScan, NNSPLICE, GeneSplicer, HumanSpliceFinder) predict a greater than 10% difference in splicing. In summary, based on the above information, this variant meets our laboratoryâ€šÃ„Ã´s criteria to be classified as pathogenic.